The following is an entry in ClinVar:

ClinVar aggregate classification (germline): Uncertain significance (1 of 4 stars; one submission).

Conditions:
Autosomal dominant limb-girdle muscular dystrophy type 1F (LGMDD2). Also called: MUSCULAR DYSTROPHY, LIMB-GIRDLE, AUTOSOMAL DOMINANT 2; Limb-girdle muscular dystrophy, type 1F. Identifiers: Orphanet 55595, MedGen C1842062, MONDO:0012034, OMIM 608423.

Allele frequency attached by ClinVar (database versions not stated): TOPMed below 0.00001; gnomAD 0.00001; gnomAD exomes 0.00001.

Submission:

Victorian Clinical Genetics Services, Murdoch Childrens Research Institute
Classification: Uncertain significance for Autosomal dominant limb-girdle muscular dystrophy type 1F. Last evaluated: 2022-02-02. Review status: criteria provided, single submitter. Criteria: ACMG Guidelines, 2015. Collection method: clinical testing. Allele origin: germline. Inheritance: Autosomal dominant inheritance. Affected: yes.
Comment: Based on the classification scheme VCGS_Germline_v1.3.4, this variant is classified as VUS-3B. Following criteria are met: 0105 - The mechanism of disease for this gene is not clearly established. (I) 0107 - This gene is associated with autosomal dominant disease. (I) 0115 - Variants in this gene are known to have variable expressivity (PMID: 23543484). (I) 0200 - Variant is predicted to result in a missense amino acid change from arginine to histidine. (I) 0251 - This variant is heterozygous. (I) 0302 - Variant is present in gnomAD (v3) <0.001 for a dominant condition (1 heterozygote, 0 homozygotes). (SP) 0309 - An alternative amino acid change at the same position has been observed in gnomAD (v2) (3 heterozygotes, 0 homozygotes). (I) 0502 - Missense variant with conflicting in silico predictions and uninformative conservation. (I) 0603 - Missense variant in a region that is highly intolerant to missense variation (high constraint region in DECIPHER). (SP) 0705 - No comparable missense variants have previous evidence for pathogenicity. (I) 0807 - This variant has no previous evidence of pathogenicity. (I) 0905 - No published segregation evidence has been identified for this variant. (I) 1007 - No published functional evidence has been identified for this variant. (I) 1208 - Inheritance information for this variant is not currently available in this individual. (I) Legend: (SP) - Supporting pathogenic, (I) - Information, (SB) - Supporting benign

Literature cited by the submitters: PubMed 23543484.

NM_012470.4(TNPO3):c.470G>A (p.Arg157His)

Gene: TNPO3 (transportin 3; minus strand). Cytogenetic location: 7q32.1.
Variant type: single nucleotide variant.
Coding change: c.470G>A on transcript NM_012470.4 (MANE Select); coding-DNA position 470, G replaced by A.
Protein change: p.Arg157His; replaces arginine 157 with histidine.
Molecular consequence: missense variant. On other transcripts: non-coding transcript variant (18).
Genome position (GRCh38, 1-based): chr7:129,015,061, C>T on the plus strand (G>A on the coding strand, the complement: TNPO3 is on the minus strand). VCF-style: chr7-129015061-C-T. GRCh37 (hg19) VCF-style: chr7-128655115-C-T.
Other names: c.470G>A, p.Arg157His (NM_001191028.3, NM_001382216.1, NM_001382218.1 and 5 more transcripts); c.551G>A, p.Arg184His (NM_001382217.1); short protein forms R157H, R184H.
Identifiers: ClinVar variation 1805164 (VCV001805164.1), dbSNP rs1365461694, ClinGen allele CA369246469.